The following is an entry in ClinVar:

ClinVar aggregate classification (germline): Benign. Review status: criteria provided, multiple submitters, no conflicts (2 of 4 stars). 2 submissions from 2 submitters: Benign (2). Last evaluated 2023-11-06.

Allele frequency attached by ClinVar (database versions not stated): ExAC 0.00738; gnomAD 0.01653 and 0.01763; 1000 Genomes Project 0.01857; 1000 Genomes Project 30x 0.01968; ESP Exome Variant Server 0.01984; gnomAD exomes 0.00686; TOPMed 0.01935.
gnomAD v4.1: 8,206 of 1,614,222 alleles (0.51%); highest among the groups gnomAD compares: African/African-American, 4.7%; 125 homozygotes.

Submissions (2):

Mayo Clinic Laboratories, Mayo Clinic
Classification: Benign. Last evaluated: 2023-11-06. Review status: criteria provided, single submitter. Criteria: ACMG Guidelines, 2015. Collection method: clinical testing. Allele origin: germline. Observed: 7 variant alleles.
Comment: BS1, BS2, BP4

Labcorp Genetics (formerly Invitae), Labcorp
Classification: Benign. Last evaluated: 2019-12-31. Review status: criteria provided, single submitter. Criteria: Invitae Variant Classification Sherloc (09022015). Collection method: clinical testing. Allele origin: germline.

NM_001164760.2(PRKAR1B):c.118A>G (p.Ile40Val)

Gene: PRKAR1B (protein kinase cAMP-dependent type I regulatory subunit beta; minus strand). Cytogenetic location: 7p22.3.
Variant type: single nucleotide variant.
Coding change: c.118A>G on transcript NM_001164760.2 (MANE Select); coding-DNA position 118, A replaced by G.
Protein change: p.Ile40Val; replaces isoleucine 40 with valine.
Molecular consequence: missense variant.
Genome position (GRCh38, 1-based): chr7:711,388, T>C on the plus strand (A>G on the coding strand, the complement: PRKAR1B is on the minus strand). VCF-style: chr7-711388-T-C. GRCh37 (hg19) VCF-style: chr7-751025-T-C.
Other names: p.Ile40Val; c.118A>G, p.Ile40Val (NM_001164758.2, NM_001164759.1, NM_001164761.2 and 2 more transcripts); short protein forms I40V.
Identifiers: ClinVar variation 772884 (VCV000772884.5), dbSNP rs61732492, ClinGen allele CA4110321.
Genomic context (GRCh38, chr7:711,388, plus strand): 5'-CCTTCTCCAGCTTCTCGAAGTGCTCCCGGAGGAACTTCATGGGGCGTTCGGGCTTGGAGA[T>C]GCAGAGGTGGACGATACAGTCTTTGAGGACCTGCTGGATCCCGTGCAGCTGCACGTACAG-3'
Protein context (NP_001158232.1, residues 30-50): VLKDCIVHLC[Ile40Val]SKPERPMKFL